The following is an entry in ClinVar:

ClinVar aggregate classification (germline): Uncertain significance (1 of 4 stars; one submission).

Submission:

Labcorp Genetics (formerly Invitae), Labcorp
Classification: Uncertain significance. Last evaluated: 2025-03-30. Review status: criteria provided, single submitter. Criteria: Invitae Variant Classification Sherloc (09022015). Collection method: clinical testing. Allele origin: germline.
Comment: This sequence change replaces glutamic acid, which is acidic and polar, with glycine, which is neutral and non-polar, at codon 532 of the ALOX12B protein (p.Glu532Gly). This variant is not present in population databases (gnomAD no frequency). This variant has not been reported in the literature in individuals affected with ALOX12B-related conditions. Invitae Evidence Modeling of protein sequence and biophysical properties (such as structural, functional, and spatial information, amino acid conservation, physicochemical variation, residue mobility, and thermodynamic stability) has been performed for this missense variant. However, the output from this modeling did not meet the statistical confidence thresholds required to predict the impact of this variant on ALOX12B protein function. This variant disrupts the p.Glu532 amino acid residue in ALOX12B. Other variant(s) that disrupt this residue have been observed in individuals with ALOX12B-related conditions (PMID: 26762237, 33435499), which suggests that this may be a clinically significant amino acid residue. In summary, the available evidence is currently insufficient to determine the role of this variant in disease. Therefore, it has been classified as a Variant of Uncertain Significance.

Literature cited by the submitters: PubMed 26762237; PubMed 33435499.

NM_001139.3(ALOX12B):c.1595A>G (p.Glu532Gly)

Gene: ALOX12B (arachidonate 12-lipoxygenase, 12R type; minus strand). Cytogenetic location: 17p13.1.
Variant type: single nucleotide variant.
Coding change: c.1595A>G on transcript NM_001139.3 (MANE Select); coding-DNA position 1595, A replaced by G.
Protein change: p.Glu532Gly; replaces glutamic acid 532 with glycine.
Molecular consequence: missense variant.
Genome position (GRCh38, 1-based): chr17:8,075,654, T>C on the plus strand (A>G on the coding strand, the complement: ALOX12B is on the minus strand). VCF-style: chr17-8075654-T-C. GRCh37 (hg19) VCF-style: chr17-7978972-T-C.
Other names: short protein forms E532G.
Identifiers: ClinVar variation 4766321 (VCV004766321.1).